The following is an entry in ClinVar:

ClinVar aggregate classification (germline): Uncertain significance (1 of 4 stars; one submission).

Conditions:
Familial hypocalciuric hypercalcemia (FHH). Also called: Familial benign hypercalcemia. Identifiers: Orphanet 405, MedGen C1809471, MONDO:0018458.
Autosomal dominant hypocalcemia 1 (HYPOC1). Also called: HYPOCALCEMIA, FAMILIAL. Identifiers: MedGen C3715128, MONDO:0011013, OMIM 601198.

Submission:

Labcorp Genetics (formerly Invitae), Labcorp
Classification: Uncertain significance for Familial hypocalciuric hypercalcemia; Autosomal dominant hypocalcemia 1. Last evaluated: 2023-11-05. Review status: criteria provided, single submitter. Criteria: Invitae Variant Classification Sherloc (09022015). Collection method: clinical testing. Allele origin: germline.
Comment: This sequence change replaces cysteine, which is neutral and slightly polar, with serine, which is neutral and polar, at codon 101 of the CASR protein (p.Cys101Ser). This variant is not present in population databases (gnomAD no frequency). This variant has not been reported in the literature in individuals affected with CASR-related conditions. An algorithm developed to predict the effect of missense changes on protein structure and function (PolyPhen-2) suggests that this variant is likely to be disruptive. In summary, the available evidence is currently insufficient to determine the role of this variant in disease. Therefore, it has been classified as a Variant of Uncertain Significance.

NM_000388.4(CASR):c.302G>C (p.Cys101Ser)

Gene: CASR (calcium sensing receptor; plus strand). Cytogenetic location: 3q21.1.
Variant type: single nucleotide variant.
Coding change: c.302G>C on transcript NM_000388.4 (MANE Select); coding-DNA position 302, G replaced by C.
Protein change: p.Cys101Ser; replaces cysteine 101 with serine.
Molecular consequence: missense variant.
Genome position (GRCh38, 1-based): chr3:122,257,197, G>C. VCF-style: chr3-122257197-G-C. GRCh37 (hg19) VCF-style: chr3-121976044-G-C.
Other names: c.302G>C, p.Cys101Ser (NM_001178065.2); short protein forms C101S.
Identifiers: ClinVar variation 2938183 (VCV002938183.3), dbSNP rs2473214506, ClinGen allele CA354362601.